The following is an entry in ClinVar:

NM_003072.5(SMARCA4):c.1897_1898delinsAT (p.Ala633Ile)

Gene: SMARCA4 (SWI/SNF related BAF chromatin remodeling complex subunit ATPase 4; plus strand). Cytogenetic location: 19p13.2.
Variant type: Indel.
Coding change: c.1897_1898delinsAT on transcript NM_003072.5 (MANE Select); coding-DNA positions 1897 to 1898, GC replaced by AT.
Protein change: p.Ala633Ile; replaces alanine 633 with isoleucine.
Molecular consequence: missense variant. On other transcripts: non-coding transcript variant (1).
Genome position (GRCh38, 1-based): chr19:11,003,113-11,003,114, GC replaced by AT. VCF-style: chr19-11003113-GC-AT. GRCh37 (hg19) VCF-style: chr19-11113789-GC-AT.
Other names: c.1897_1898delinsAT, p.Ala633Ile (NM_001128844.3, NM_001128845.2, NM_001128846.2 and 4 more transcripts); c.1897_1898delinsAT (NM_001128849.1); short protein forms A633I.
Identifiers: ClinVar variation 820252 (VCV000820252.19), dbSNP rs1600133041, ClinGen allele CA915951663.

ClinVar aggregate classification (germline): Uncertain significance. Review status: criteria provided, multiple submitters, no conflicts (2 of 4 stars). 4 submissions from 4 submitters: Uncertain significance (4). Last evaluated 2026-01-07.

Conditions:
Hereditary cancer-predisposing syndrome. Also called: Neoplastic Syndromes, Hereditary; Tumor predisposition; Hereditary Cancer Syndrome; Hereditary neoplastic syndrome. Identifiers: Orphanet 140162, MedGen C0027672, MeSH D009386, MONDO:0015356.
Intellectual disability, autosomal dominant 16 (CSS4). Also called: COFFIN-SIRIS SYNDROME 4. Identifiers: Orphanet 1465, MedGen C3553249, MONDO:0013821, OMIM 614609.
Rhabdoid tumor predisposition syndrome 2 (RTPS2). Identifiers: Orphanet 231108, Orphanet 69077, MedGen C2750074, MONDO:0013224, OMIM 613325.

Submissions (4):

Labcorp Genetics (formerly Invitae), Labcorp
Classification: Uncertain significance for Rhabdoid tumor predisposition syndrome 2. Last evaluated: 2026-01-07. Review status: criteria provided, single submitter. Criteria: Invitae Variant Classification Sherloc (09022015). Collection method: clinical testing. Allele origin: germline.
Comment: This sequence change replaces alanine, which is neutral and non-polar, with isoleucine, which is neutral and non-polar, at codon 633 of the SMARCA4 protein (p.Ala633Ile). Information on the frequency of this variant in the gnomAD database is not available, as this variant may be reported differently in the database. This variant has not been reported in the literature in individuals affected with SMARCA4-related conditions. ClinVar contains an entry for this variant (Variation ID: 820252). An algorithm developed to predict the effect of missense changes on protein structure and function (PolyPhen-2) suggests that this variant is likely to be disruptive. In summary, the available evidence is currently insufficient to determine the role of this variant in disease. Therefore, it has been classified as a Variant of Uncertain Significance.

Ambry Genetics
Classification: Uncertain significance for Hereditary cancer-predisposing syndrome. Last evaluated: 2025-10-20. Review status: criteria provided, single submitter. Criteria: Ambry Variant Classification Scheme 2023. Collection method: clinical testing. Allele origin: germline.
Comment: The c.1897_1898delGCinsAT variant (also known as p.A633I), located in coding exon 11 of the SMARCA4 gene, results from an in-frame deletion of GC and insertion of AT at nucleotide positions 1897 to 1898. This results in the substitution of the alanine residue for an isoleucine residue at codon 633, an amino acid with similar properties. This amino acid position is highly conserved in available vertebrate species. In addition, the in silico prediction for this alteration is inconclusive (Choi Y et al. PLoS ONE. 2012; 7(10):e46688). Since supporting evidence is limited at this time, the clinical significance of this alteration remains unclear.

Genome-Nilou Lab
Classification: Uncertain significance for Intellectual disability, autosomal dominant 16. Last evaluated: 2021-07-15. Review status: criteria provided, single submitter. Criteria: ACMG Guidelines, 2015. Collection method: clinical testing. Allele origin: germline. Affected: no.

GeneDx
Classification: Uncertain significance. Last evaluated: 2019-04-08. Review status: criteria provided, single submitter. Criteria: GeneDx Variant Classification Process June 2021. Collection method: clinical testing. Allele origin: germline. Affected: yes.
Comment: Not observed in large population cohorts (Lek et al., 2016); In silico analysis, which includes protein predictors and evolutionary conservation, supports a deleterious effect; Has not been previously published as pathogenic or benign to our knowledge